The following is an entry in ClinVar:

ClinVar aggregate classification (germline): Uncertain significance (1 of 4 stars; one submission).

Conditions:
Tuberous sclerosis 2 (TSC2). Identifiers: Orphanet 805, MedGen C1860707, MONDO:0013199, OMIM 613254.

Submission:

Labcorp Genetics (formerly Invitae), Labcorp
Classification: Uncertain significance for Tuberous sclerosis 2. Last evaluated: 2024-07-18. Review status: criteria provided, single submitter. Criteria: Invitae Variant Classification Sherloc (09022015). Collection method: clinical testing. Allele origin: germline.
Comment: This variant, c.4247_4270del, results in the deletion of 8 amino acid(s) of the TSC2 protein (p.Ala1416_Leu1423del), but otherwise preserves the integrity of the reading frame. This variant is not present in population databases (gnomAD no frequency). This variant has not been reported in the literature in individuals affected with TSC2-related conditions. Experimental studies and prediction algorithms are not available or were not evaluated, and the functional significance of this variant is currently unknown. In summary, the available evidence is currently insufficient to determine the role of this variant in disease. Therefore, it has been classified as a Variant of Uncertain Significance.

NM_000548.5(TSC2):c.4247_4270del (p.Ala1416_Leu1423del)

Gene: TSC2 (TSC complex subunit 2; plus strand). Cytogenetic location: 16p13.3.
Variant type: Deletion.
Coding change: c.4247_4270del on transcript NM_000548.5 (MANE Select); coding-DNA positions 4247 to 4270, 24 bases deleted (CCCGGTCACAGTCAGGGACCCTGG).
Protein change: p.Ala1416_Leu1423del.
Molecular consequence: inframe deletion. On other transcripts: non-coding transcript variant (5).
Genome position (GRCh38, 1-based): chr16:2,084,469-2,084,492, CCCGGTCACAGTCAGGGACCCTGG deleted; deleting any 24 consecutive bases within chr16:2,084,467-2,084,492 gives the same sequence; the c. name uses the placement nearest the transcript's 3' end. VCF-style (leftmost placement, unchanged base first): chr16-2084466-AGGCCCGGTCACAGTCAGGGACCCT-A. GRCh37 (hg19) VCF-style: chr16-2134467-AGGCCCGGTCACAGTCAGGGACCCT-A.
Other names: c.4046_4069del, p.Ala1349_Leu1356del (NM_001077183.3); c.4178_4201del, p.Ala1393_Leu1400del (NM_001114382.3); c.3938_3961del, p.Ala1313_Leu1320del (NM_001318827.2); c.3902_3925del, p.Ala1301_Leu1308del (NM_001318829.2); c.3515_3538del, p.Ala1172_Leu1179del (NM_001318831.2); c.4079_4102del, p.Ala1360_Leu1367del (NM_001318832.2); c.4049_4072del, p.Ala1350_Leu1357del (NM_001363528.2); c.4115_4138del, p.Ala1372_Leu1379del (NM_001370404.1); and 26 more.
Identifiers: ClinVar variation 3614962 (VCV003614962.2).